The following is an entry in ClinVar:

ClinVar aggregate classification (germline): Uncertain significance (1 of 4 stars; one submission).

Submission:

GeneDx
Classification: Uncertain significance. Last evaluated: 2022-05-26. Review status: criteria provided, single submitter. Criteria: GeneDx Variant Classification Process June 2021. Collection method: clinical testing. Allele origin: germline. Affected: yes.
Comment: Not observed at significant frequency in large population cohorts (gnomAD); In silico analysis supports that this missense variant does not alter protein structure/function; Has not been previously published as pathogenic or benign to our knowledge

NM_001303052.2(MYT1L):c.845A>G (p.Asp282Gly)

Gene: MYT1L (myelin transcription factor 1 like; minus strand). Cytogenetic location: 2p25.3.
Variant type: single nucleotide variant.
Coding change: c.845A>G on transcript NM_001303052.2 (MANE Select); coding-DNA position 845, A replaced by G.
Protein change: p.Asp282Gly; replaces aspartic acid 282 with glycine.
Molecular consequence: missense variant.
Genome position (GRCh38, 1-based): chr2:1,922,924, T>C on the plus strand (A>G on the coding strand, the complement: MYT1L is on the minus strand). VCF-style: chr2-1922924-T-C. GRCh37 (hg19) VCF-style: chr2-1926696-T-C.
Other names: c.845A>G, p.Asp282Gly (NM_001329848.1, NM_001329849.3, NM_001329851.3 and 6 more transcripts); short protein forms D282G.
Identifiers: ClinVar variation 1801117 (VCV001801117.1), dbSNP rs2550918397, ClinGen allele CA345706087.